The following is an entry in ClinVar:

ClinVar aggregate classification (germline): Uncertain significance. Review status: criteria provided, single submitter (1 of 4 stars). 2 submissions from 2 submitters: Uncertain significance (1). 1 of the submissions does not count toward it. Last evaluated 2023-10-26.

Conditions:
UBN2-related disorder. Also called: UBN2-related condition.

Allele frequency attached by ClinVar (database versions not stated): gnomAD 0.00018; TOPMed 0.00018; ExAC 0.00024; ESP Exome Variant Server 0.00025.
gnomAD v4.1: 377 of 1,613,044 alleles (0.023%); highest among the groups gnomAD compares: Middle Eastern, 0.23%; no homozygotes.

Submissions (2):

Ambry Genetics
Classification: Uncertain significance. Last evaluated: 2023-10-26. Review status: criteria provided, single submitter. Criteria: Ambry Variant Classification Scheme 2023. Collection method: clinical testing. Allele origin: germline.

PreventionGenetics, part of Exact Sciences
Classification: Likely benign for UBN2-related condition. Last evaluated: 2023-01-27. Review status: no assertion criteria provided. Collection method: clinical testing. Allele origin: germline. Not counted in ClinVar's aggregate classification.
Comment: This variant is classified as likely benign based on ACMG/AMP sequence variant interpretation guidelines (Richards et al. 2015 PMID: 25741868, with internal and published modifications).

NM_173569.4(UBN2):c.1694G>A (p.Arg565His)

Gene: UBN2 (ubinuclein 2; plus strand). Cytogenetic location: 7q34.
Variant type: single nucleotide variant.
Coding change: c.1694G>A on transcript NM_173569.4 (MANE Select); coding-DNA position 1694, G replaced by A.
Protein change: p.Arg565His; replaces arginine 565 with histidine.
Molecular consequence: missense variant.
Genome position (GRCh38, 1-based): chr7:139,272,419, G>A. VCF-style: chr7-139272419-G-A. GRCh37 (hg19) VCF-style: chr7-138957165-G-A.
Other names: short protein forms R565H.
Identifiers: ClinVar variation 3050098 (VCV003050098.3), dbSNP rs201200509, ClinGen allele CA4508979.